The following is an entry in ClinVar:

ClinVar aggregate classification (germline): Uncertain significance (1 of 4 stars; one submission).

gnomAD v4.1: 2 of 1,614,106 alleles (0.00012%); highest among the groups gnomAD compares: Non-Finnish European, 0.00017%; no homozygotes.

Submission:

Labcorp Genetics (formerly Invitae), Labcorp
Classification: Uncertain significance. Last evaluated: 2025-04-01. Review status: criteria provided, single submitter. Criteria: Invitae Variant Classification Sherloc (09022015). Collection method: clinical testing. Allele origin: germline.
Comment: This sequence change replaces valine, which is neutral and non-polar, with alanine, which is neutral and non-polar, at codon 156 of the ATP6V1A protein (p.Val156Ala). This variant is not present in population databases (gnomAD no frequency). This variant has not been reported in the literature in individuals affected with ATP6V1A-related conditions. Invitae Evidence Modeling of protein sequence and biophysical properties (such as structural, functional, and spatial information, amino acid conservation, physicochemical variation, residue mobility, and thermodynamic stability) indicates that this missense variant is not expected to disrupt ATP6V1A protein function with a negative predictive value of 80%. In summary, the available evidence is currently insufficient to determine the role of this variant in disease. Therefore, it has been classified as a Variant of Uncertain Significance.

NM_001690.4(ATP6V1A):c.467T>C (p.Val156Ala)

Gene: ATP6V1A (ATPase H+ transporting V1 subunit A; plus strand). Cytogenetic location: 3q13.31.
Variant type: single nucleotide variant.
Coding change: c.467T>C on transcript NM_001690.4 (MANE Select); coding-DNA position 467, T replaced by C.
Protein change: p.Val156Ala; replaces valine 156 with alanine.
Molecular consequence: missense variant.
Genome position (GRCh38, 1-based): chr3:113,784,736, T>C. VCF-style: chr3-113784736-T-C. GRCh37 (hg19) VCF-style: chr3-113503583-T-C.
Other names: short protein forms V156A.
Identifiers: ClinVar variation 3691818 (VCV003691818.2).